The following is an entry in ClinVar:

NM_000070.3(CAPN3):c.2051-1G>T

Gene: CAPN3 (calpain 3; plus strand). Cytogenetic location: 15q15.1.
Variant type: single nucleotide variant.
Coding change: c.2051-1G>T on transcript NM_000070.3 (MANE Select); the canonical splice acceptor site of the intron before coding-DNA position 2051, G replaced by T.
Molecular consequence: splice acceptor variant.
Genome position (GRCh38, 1-based): chr15:42,409,930, G>T. VCF-style: chr15-42409930-G-T. GRCh37 (hg19) VCF-style: chr15-42702128-G-T.
Other names: c.2099-1G>T; c.2033-1G>T (NM_024344.2); c.1775-1G>T (NM_173087.2); c.515-1G>T (NM_173088.2); c.56-1G>T (NM_173090.2, NM_173089.2).
Identifiers: ClinVar variation 281184 (VCV000281184.26), dbSNP rs886042108, ClinGen allele CA10603816.

ClinVar aggregate classification (germline): Pathogenic. Review status: criteria provided, multiple submitters, no conflicts (2 of 4 stars). 10 submissions from 10 submitters: Pathogenic (7). 3 of the submissions do not count toward it. Last evaluated 2025-12-24.

Conditions:
Muscular dystrophy, limb-girdle, autosomal dominant 4. Also called: Calpain-3-related limb-girdle muscular dystrophy D4; MUSCULAR DYSTROPHY, LIMB-GIRDLE, TYPE 1I. Identifiers: Orphanet 565909, MedGen C4748295, MONDO:0029133, OMIM 618129.
Autosomal recessive limb-girdle muscular dystrophy type 2A (LGMDR1). Also called: Calpainopathy; Muscular dystrophy, limb-girdle, type 2A, Amish; LEYDEN-MOEBIUS MUSCULAR DYSTROPHY; MUSCULAR DYSTROPHY, PELVOFEMORAL; Limb-girdle muscular dystrophy, type 2A. Identifiers: Orphanet 267, MedGen C1869123, MONDO:0009675, OMIM 253600. Disease mechanism: loss of function.

gnomAD v4.1: 3 of 1,612,656 alleles (0.00019%); highest among the groups gnomAD compares: South Asian, 0.0033%; no homozygotes.

Submissions (10):

Natera, Inc.
Classification: Pathogenic for Limb-girdle muscular dystrophy type 2A. Last evaluated: 2025-12-24. Review status: criteria provided, single submitter. Criteria: Natera Variant Classification Schema (03/2026). Collection method: clinical testing. Allele origin: germline.
Comment: The c.2051-1G>T variant in CAPN3 is a canonical splice acceptor site variant predicted to affect pre-mRNA splicing, which may result in an abnormal transcript and altered protein product. This variant is expected to result in nonsense mediated decay, truncation, or a dysfunctional protein product. This variant is rare in the general population with a frequency below the threshold expected for the associated phenotype(s). This variant has been observed in one or more individuals affected with the associated recessive disease, as either homozygous or compound heterozygous with a second variant (PMID: 23666804). Given the available evidence, this variant is classified as Pathogenic.

Baylor Genetics
Classification: Pathogenic for Muscular dystrophy, limb-girdle, autosomal dominant 4. Last evaluated: 2024-03-22. Review status: criteria provided, single submitter. Criteria: ACMG Guidelines, 2015. Collection method: clinical testing. Allele origin: unknown.

Labcorp Genetics (formerly Invitae), Labcorp
Classification: Pathogenic for Autosomal recessive limb-girdle muscular dystrophy type 2A. Last evaluated: 2023-11-25. Review status: criteria provided, single submitter. Criteria: Invitae Variant Classification Sherloc (09022015). Collection method: clinical testing. Allele origin: germline.
Comment: This sequence change affects an acceptor splice site in intron 18 of the CAPN3 gene. It is expected to disrupt RNA splicing. Variants that disrupt the donor or acceptor splice site typically lead to a loss of protein function (PMID: 16199547), and loss-of-function variants in CAPN3 are known to be pathogenic (PMID: 10330340, 15689361). This variant is not present in population databases (gnomAD no frequency). Disruption of this splice site has been observed in individuals with autosomal recessive limb-girdle muscular dystrophy (PMID: 27011640). It is commonly reported in individuals of Indian ancestry (PMID: 23666804, 27011640). ClinVar contains an entry for this variant (Variation ID: 281184). Algorithms developed to predict the effect of sequence changes on RNA splicing suggest that this variant may disrupt the consensus splice site. For these reasons, this variant has been classified as Pathogenic.

Revvity Omics, Revvity
Classification: Pathogenic. Last evaluated: 2023-09-06. Review status: criteria provided, single submitter. Criteria: ACMG Guidelines, 2015. Collection method: clinical testing. Allele origin: germline.

Neuberg Centre For Genomic Medicine, NCGM
Classification: Pathogenic for Autosomal recessive limb-girdle muscular dystrophy type 2A. Last evaluated: 2023-06-22. Review status: criteria provided, single submitter. Criteria: ACMG Guidelines, 2015. Collection method: clinical testing. Allele origin: germline. Inheritance: Autosomal recessive inheritance. Affected: yes.
Comment: The observed splice acceptor variant c.2051-1G>T in CAPN3 gene which is an Agarwal founder mutation has been reported in homozygous, compound heterozygous and heterozygous state in multiple individuals affected with Limb girdle muscular dystrophy Khadlikar et al., 2016, Ankala et al., 2013. Experimental studies show that this variant results in reduced expression of the targeted region of cDNA indicating potential alternative splicing and loss of the corresponding transcript by nonsense-mediated decay Ankala et al., 2013. The c.2051-1G>T variant is absent in gnomAD Exomes and 1000 Genomes. This variant has been reported to the ClinVar database as Pathogenic multiple submissions. The variant affects the AG acceptor splice site upstream to exon 19. This variant is predicted to be Damaging by SpliceAI Prediction. Loss of function variants have been previously reported to be disease causing. For these reasons, this variant has been classified as Pathogenic.

Eurofins Ntd Llc (ga)
Classification: Pathogenic. Last evaluated: 2016-11-02. Review status: criteria provided, single submitter. Criteria: EGL Classification Definitions 2015. Collection method: clinical testing. Allele origin: germline. Observed: 3 variant alleles, 3 heterozygotes.

Lifecell International Pvt. Ltd
Classification: Pathogenic for Autosomal recessive limb-girdle muscular dystrophy type 2A. Review status: criteria provided, single submitter. Criteria: ACMG Guidelines, 2015. Collection method: clinical testing. Allele origin: germline. Inheritance: Autosomal recessive inheritance. Affected: yes. Observed: 1 compound heterozygote.
Comment: A Heterozygous, Splice site acceptor variant c.2051-1G>T in Exon 18 of the CAPN3 gene that results in the amino acid substitution was identified. The observed variant is novel in gnomAD exomes and genomes, respectively. The severity of the impact of this variant on the protein is high, based on the effect of the protein and REVEL score . Rare Exome Variant Ensemble Learner (REVEL) is an ensembl method for predicting the pathogenicity of missense variants based on a combination of scores from 13 individual tools: MutPred, FATHMM v2.3, VEST 3.0, PolyPhen-2, SIFT, PROVEAN, MutationAssessor, MutationTaster, LRT, GERP++, SiPhy, phyloP, and phastCons. The REVEL score for an individual missense variant can range from 0 to 1, with higher scores reflecting greater likelihood that the variant is disease-causing. ClinVar has also classified this variant as Pathogenic (Variant ID: 281184) . This disorder has previously been reported in the patient affected with muscular dystrophy (Khadilkar SV et al 2018). Based on the above evidence this variant has been classified as Pathogenic according to the ACMG guidelines.

Foundation for Research in Genetics and Endocrinology, FRIGE's Institute of Human Genetics
Classification: Pathogenic for Autosomal recessive limb-girdle muscular dystrophy type 2A. Last evaluated: 2018-09-18. Review status: no assertion criteria provided. Collection method: clinical testing. Allele origin: germline. Inheritance: Autosomal recessive inheritance. Affected: yes. Observed: 1 compound heterozygote. Not counted in ClinVar's aggregate classification.
Comment: The observed variant g.50431G>T (3'splice site) has not been reported in 1000 Genomes and ExAC databases. The in silico prediction of the given variant is damaging by MutationTaster2. The above variant was observed as compound heterozygous along with the variant c.2338G>C (p.Asp780His). The variant c.2338G>C has not been reported in 1000 Genomes and has a minor allele frequency of 0.002% in the ExAC databases. The In silico prediction of the given variant is probably damaging by PolyPhen-2 and damaging by MutationTaster2 and SIFT.

Counsyl
Classification: Pathogenic for Autosomal recessive limb-girdle muscular dystrophy type 2A. Last evaluated: 2017-06-21. Review status: no assertion criteria provided. Collection method: clinical testing. Allele origin: unknown. Not counted in ClinVar's aggregate classification.

GeneReviews
No classification provided. Condition: Autosomal recessive limb-girdle muscular dystrophy type 2A. Review status: no classification provided. Collection method: literature only. Allele origin: germline. Not counted in ClinVar's aggregate classification.
Comment: Review by ClinVar staff of the sequence in Fig. 2 or Ankala et al 2013 showed that c.2099-1G>T is actually NM_000070.2:c.2051-1G>T.

Literature cited by the submitters: PubMed 23666804 (cited by 5 submitters); PubMed 16199547 (cited by Labcorp Genetics (formerly Invitae), Labcorp); PubMed 10330340 (cited by Labcorp Genetics (formerly Invitae), Labcorp); PubMed 15689361 (cited by Labcorp Genetics (formerly Invitae), Labcorp); PubMed 27011640 (cited by 3 submitters).